The following is an entry in ClinVar:

ClinVar aggregate classification (germline): Uncertain significance. Review status: criteria provided, multiple submitters, no conflicts (2 of 4 stars). 3 submissions from 3 submitters: Uncertain significance (3). Last evaluated 2025-06-22.

Conditions:
Inborn genetic diseases. Identifiers: MedGen C0950123, MeSH D030342.
Sterile multifocal osteomyelitis with periostitis and pustulosis. Also called: CHRONIC RECURRENT MULTIFOCAL OSTEOMYELITIS 2, WITH PERIOSTITIS AND PUSTULOSIS. Identifiers: Orphanet 210115, MedGen C2748507, MONDO:0013021, OMIM 612852.

Allele frequency attached by ClinVar (database versions not stated): ExAC 0.00005; gnomAD exomes 0.00006; ESP Exome Variant Server 0.00008; gnomAD 0.00009 and 0.00010; TOPMed 0.00011.

Submissions (3):

Ambry Genetics
Classification: Uncertain significance for Inborn genetic diseases. Last evaluated: 2025-06-22. Review status: criteria provided, single submitter. Criteria: Ambry Variant Classification Scheme 2023. Collection method: clinical testing. Allele origin: germline.

Blueprint Genetics
Classification: Uncertain significance. Last evaluated: 2023-09-01. Review status: criteria provided, single submitter. Criteria: ACMG Guidelines, 2015. Collection method: clinical testing. Allele origin: germline.

Labcorp Genetics (formerly Invitae), Labcorp
Classification: Uncertain significance for Sterile multifocal osteomyelitis with periostitis and pustulosis. Last evaluated: 2022-08-09. Review status: criteria provided, single submitter. Criteria: Invitae Variant Classification Sherloc (09022015). Collection method: clinical testing. Allele origin: germline.
Comment: This sequence change replaces arginine, which is basic and polar, with cysteine, which is neutral and slightly polar, at codon 130 of the IL1RN protein (p.Arg130Cys). This variant is present in population databases (rs148520303, gnomAD 0.02%). This variant has not been reported in the literature in individuals affected with IL1RN-related conditions. ClinVar contains an entry for this variant (Variation ID: 1052680). Algorithms developed to predict the effect of missense changes on protein structure and function (SIFT, PolyPhen-2, Align-GVGD) all suggest that this variant is likely to be disruptive. In summary, the available evidence is currently insufficient to determine the role of this variant in disease. Therefore, it has been classified as a Variant of Uncertain Significance.

NM_173842.3(IL1RN):c.379C>T (p.Arg127Cys)

Gene: IL1RN (interleukin 1 receptor antagonist; plus strand). Cytogenetic location: 2q14.1.
Variant type: single nucleotide variant.
Coding change: c.379C>T on transcript NM_173842.3 (MANE Select); coding-DNA position 379, C replaced by T.
Protein change: p.Arg127Cys; replaces arginine 127 with cysteine.
Molecular consequence: missense variant.
Genome position (GRCh38, 1-based): chr2:113,132,716, C>T. VCF-style: chr2-113132716-C-T. GRCh37 (hg19) VCF-style: chr2-113890293-C-T.
Other names: c.388C>T (NM_173841.2); c.325C>T, p.Arg109Cys (NM_000577.5); c.277C>T, p.Arg93Cys (NM_001318914.2, NM_001379360.1, NM_173843.3); c.388C>T, p.Arg130Cys (NM_173841.3); short protein forms R109C, R127C, R130C, R93C.
Identifiers: ClinVar variation 1052680 (VCV001052680.8), dbSNP rs148520303, ClinGen allele CA1838887.